The following is an entry in ClinVar:

NM_000179.3(MSH6):c.3328C>A (p.Pro1110Thr)

Gene: MSH6 (mutS homolog 6; plus strand). Cytogenetic location: 2p16.3.
Variant type: single nucleotide variant.
Coding change: c.3328C>A on transcript NM_000179.3 (MANE Select); coding-DNA position 3328, C replaced by A.
Protein change: p.Pro1110Thr; replaces proline 1110 with threonine.
Molecular consequence: missense variant.
Genome position (GRCh38, 1-based): chr2:47,803,575, C>A. VCF-style: chr2-47803575-C-A. GRCh37 (hg19) VCF-style: chr2-48030714-C-A.
Other names: c.2938C>A, p.Pro980Thr (NM_001281492.2); c.2422C>A, p.Pro808Thr (NM_001281493.2, NM_001281494.2); short protein forms P1110T, P808T, P980T.
Identifiers: ClinVar variation 455247 (VCV000455247.18), dbSNP rs374070511, ClinGen allele CA070657.
Genomic context (GRCh38, chr2:47,803,575, plus strand): 5'-GAGCTTAAAGGATCACGCCATCCTTGCATTACGAAGACTTTTTTTGGAGATGATTTTATT[C>A]CTAATGACATTCTAATAGGCTGTGAGGAAGAGGAGCAGGAAAATGGCAAAGCCTATTGTG-3'
Protein context (NP_000170.1, residues 1100-1120): TKTFFGDDFI[Pro1110Thr]NDILIGCEEE

ClinVar aggregate classification (germline): Conflicting classifications of pathogenicity. Review status: criteria provided, conflicting classifications (1 of 4 stars). 6 submissions from 6 submitters: Uncertain significance (5); Likely benign (1). Last evaluated 2026-01-31.

Conditions:
Hereditary nonpolyposis colorectal neoplasms. Identifiers: MedGen C0009405, MeSH D003123.
Hereditary cancer-predisposing syndrome. Also called: Neoplastic Syndromes, Hereditary; Tumor predisposition; Hereditary neoplastic syndrome; Hereditary Cancer Syndrome. Identifiers: Orphanet 140162, MedGen C0027672, MeSH D009386, MONDO:0015356.
Lynch syndrome. Identifiers: Orphanet 144, MedGen C4552100, MONDO:0005835. Disease mechanism: loss of function.
Endometrial carcinoma. Also called: Endometrial carcinoma, somatic. Identifiers: MedGen C0476089, MONDO:0002447, OMIM 608089, HP:0012114.

Allele frequency attached by ClinVar (database versions not stated): TOPMed 0.00001.
gnomAD v4.1: 6 of 1,613,954 alleles (0.00037%); highest among the groups gnomAD compares: Non-Finnish European, 0.00051%; no homozygotes.

Submissions (6):

Labcorp Genetics (formerly Invitae), Labcorp
Classification: Likely benign for Hereditary nonpolyposis colorectal neoplasms. Last evaluated: 2026-01-31. Review status: criteria provided, single submitter. Criteria: Invitae Variant Classification Sherloc (09022015). Collection method: clinical testing. Allele origin: germline.

Ambry Genetics
Classification: Uncertain significance for Hereditary cancer-predisposing syndrome. Last evaluated: 2025-12-20. Review status: criteria provided, single submitter. Criteria: Ambry Variant Classification Scheme 2023. Collection method: clinical testing. Allele origin: germline.
Comment: The p.P1110T variant (also known as c.3328C>A), located in coding exon 5 of the MSH6 gene, results from a C to A substitution at nucleotide position 3328. The proline at codon 1110 is replaced by threonine, an amino acid with highly similar properties. This amino acid position is highly conserved in available vertebrate species. In addition, this alteration is predicted to be deleterious by in silico analysis. Since supporting evidence is limited at this time, the clinical significance of this alteration remains unclear.

Baylor Genetics
Classification: Uncertain significance for Endometrial carcinoma. Last evaluated: 2024-01-24. Review status: criteria provided, single submitter. Criteria: ACMG Guidelines, 2015. Collection method: clinical testing. Allele origin: unknown.

All of Us Research Program, National Institutes of Health
Classification: Uncertain significance for Lynch syndrome. Last evaluated: 2023-08-15. Review status: criteria provided, single submitter. Criteria: ACMG Guidelines, 2015. Collection method: clinical testing. Allele origin: germline. Inheritance: Autosomal dominant inheritance. Observed: 3 variant alleles, 3 heterozygotes.
Comment: This missense variant replaces proline with threonine at codon 1110 of the MSH6 protein. Computational prediction suggests that this variant may have deleterious impact on protein structure and function (internally defined REVEL score threshold >= 0.7, PMID: 27666373). To our knowledge, functional studies have not been reported for this variant. This variant has not been reported in individuals affected with MSH6-related disorders in the literature. This variant has been identified in 2/251314 chromosomes in the general population by the Genome Aggregation Database (gnomAD). The available evidence is insufficient to determine the role of this variant in disease conclusively. Therefore, this variant is classified as a Variant of Uncertain Significance.

This study involves interpretation of variants in research participants for the purpose of population health screening. Participant phenotype was not available at the time of variant classification. Additional details can be found in publication PMID: 35346344, PMCID: PMC8962531

Color Diagnostics, LLC DBA Color Health
Classification: Uncertain significance for Hereditary cancer-predisposing syndrome. Last evaluated: 2023-03-26. Review status: criteria provided, single submitter. Criteria: ACMG Guidelines, 2015. Collection method: clinical testing. Allele origin: germline.
Comment: This missense variant replaces proline with threonine at codon 1110 of the MSH6 protein. Computational prediction suggests that this variant may have deleterious impact on protein structure and function (internally defined REVEL score threshold >= 0.7, PMID: 27666373). To our knowledge, functional studies have not been reported for this variant. This variant has not been reported in individuals affected with MSH6-related disorders in the literature. This variant has been identified in 2/251314 chromosomes in the general population by the Genome Aggregation Database (gnomAD). The available evidence is insufficient to determine the role of this variant in disease conclusively. Therefore, this variant is classified as a Variant of Uncertain Significance.

Women's Health and Genetics/Laboratory Corporation of America, LabCorp
Classification: Uncertain significance. Last evaluated: 2016-11-25. Review status: criteria provided, single submitter. Criteria: LabCorp Variant Classification Summary - May 2015. Collection method: clinical testing. Allele origin: germline.
Comment: Variant summary: The MSH6 c.3328C>A (p.Pro1110Thr) variant involves the alteration of a conserved nucleotide. 4/5 in silico tools predict a damaging outcome for this variant. This variant was found in 2/121362 control chromosomes at a frequency of 0.0000165, which does not exceed the estimated maximal expected allele frequency of a pathogenic MSH6 variant (0.0001421). The variant of interest has not, to our knowledge, been reported in affected individuals via publications and/or reputable databases/clinical diagnostic laboratories; nor evaluated for functional impact by in vivo/vitro studies. Because of the absence of clinical information and the lack of functional studies, the variant is classified as a variant of uncertain significance (VUS) until additional information becomes available.